The following is an entry in ClinVar:

ClinVar aggregate classification (germline): Uncertain significance (1 of 4 stars; one submission).

Allele frequency attached by ClinVar (database versions not stated): gnomAD exomes below 0.00001.
gnomAD v4.1: 1 of 1,614,026 alleles (0.000062%); highest among the groups gnomAD compares: Non-Finnish European, 0.000085%; no homozygotes.

Submission:

Ambry Genetics
Classification: Uncertain significance. Last evaluated: 2023-12-11. Review status: criteria provided, single submitter. Criteria: Ambry Variant Classification Scheme 2023. Collection method: clinical testing. Allele origin: germline.
Comment: The p.G52E variant (also known as c.155G>A), located in coding exon 1 of the EGLN2 gene, results from a G to A substitution at nucleotide position 155. The glycine at codon 52 is replaced by glutamic acid, an amino acid with similar properties. This amino acid position is conserved. In addition, this alteration is predicted to be tolerated by in silico analysis. Since supporting evidence is limited at this time, the clinical significance of this alteration remains unclear.

NM_080732.4(EGLN2):c.155G>A (p.Gly52Glu)

Genes: EGLN2 (egl-9 family hypoxia inducible factor 2; plus strand), RAB4B-EGLN2 (RAB4B-EGLN2 readthrough (NMD candidate); plus strand). Cytogenetic location: 19q13.2.
Variant type: single nucleotide variant.
Coding change: c.155G>A on transcript NM_080732.4 (MANE Select); coding-DNA position 155, G replaced by A.
Protein change: p.Gly52Glu; replaces glycine 52 with glutamic acid.
Molecular consequence: missense variant. On other transcripts: non-coding transcript variant (1).
Genome position (GRCh38, 1-based): chr19:40,800,727, G>A. VCF-style: chr19-40800727-G-A. GRCh37 (hg19) VCF-style: chr19-41306632-G-A.
Other names: c.155G>A, p.Gly52Glu (NM_053046.4); short protein forms G52E.
Identifiers: ClinVar variation 3228987 (VCV003228987.1), dbSNP rs1414466210, ClinGen allele CA405954673.